The following is an entry in ClinVar:

NM_173354.5(SIK1):c.1829G>C (p.Arg610Pro)

Gene: SIK1 (salt inducible kinase 1; minus strand). Cytogenetic location: 21q22.3.
Variant type: single nucleotide variant.
Coding change: c.1829G>C on transcript NM_173354.5 (MANE Select); coding-DNA position 1829, G replaced by C.
Protein change: p.Arg610Pro; replaces arginine 610 with proline.
Molecular consequence: missense variant.
Genome position (GRCh38, 1-based): chr21:43,417,690, C>G on the plus strand (G>C on the coding strand, the complement: SIK1 is on the minus strand). VCF-style: chr21-43417690-C-G. GRCh37 (hg19) VCF-style: chr21-44837570-C-G.
Other names: short protein forms R610P.
Identifiers: ClinVar variation 1979729 (VCV001979729.5), dbSNP rs770153649, ClinGen allele CA410607209.

ClinVar aggregate classification (germline): Uncertain significance. Review status: criteria provided, multiple submitters, no conflicts (2 of 4 stars). 2 submissions from 2 submitters: Uncertain significance (2). Last evaluated 2025-12-09.

Conditions:
Developmental and epileptic encephalopathy, 30 (DEE30). Also called: Epileptic encephalopathy, early infantile, 30. Identifiers: MedGen C4225360, MONDO:0014595, OMIM 616341.

Submissions (2):

Women's Health and Genetics/Laboratory Corporation of America, LabCorp
Classification: Uncertain significance. Last evaluated: 2025-12-09. Review status: criteria provided, single submitter. Criteria: LabCorp Variant Classification Summary - May 2015. Collection method: clinical testing. Allele origin: germline.
Comment: Variant summary: SIK1 c.1829G>C (p.Arg610Pro) results in a non-conservative amino acid change in the encoded protein sequence. Algorithms developed to predict the effect of missense changes on protein structure and function are either unavailable or do not agree on the potential impact of this missense change. The frequency data for this variant in gnomAD is considered unreliable, as metrics indicate poor data quality at this position. To our knowledge, no occurrence of c.1829G>C in individuals affected with SIK1-related conditions and no experimental evidence demonstrating its impact on protein function have been reported. ClinVar contains an entry for this variant (Variation ID: 1979729). Based on the evidence outlined above, the variant was classified as uncertain significance.

Labcorp Genetics (formerly Invitae), Labcorp
Classification: Uncertain significance for Developmental and epileptic encephalopathy, 30. Last evaluated: 2022-06-14. Review status: criteria provided, single submitter. Criteria: Invitae Variant Classification Sherloc (09022015). Collection method: clinical testing. Allele origin: germline.
Comment: In summary, the available evidence is currently insufficient to determine the role of this variant in disease. Therefore, it has been classified as a Variant of Uncertain Significance. Advanced modeling of protein sequence and biophysical properties (such as structural, functional, and spatial information, amino acid conservation, physicochemical variation, residue mobility, and thermodynamic stability) performed at Invitae indicates that this missense variant is not expected to disrupt SIK1 protein function. This variant has not been reported in the literature in individuals affected with SIK1-related conditions. The frequency data for this variant in the population databases is considered unreliable, as metrics indicate poor data quality at this position in the gnomAD database. This sequence change replaces arginine, which is basic and polar, with proline, which is neutral and non-polar, at codon 610 of the SIK1 protein (p.Arg610Pro).